The following is an entry in ClinVar:

ClinVar aggregate classification (germline): Pathogenic/Likely pathogenic. Review status: criteria provided, multiple submitters, no conflicts (2 of 4 stars). 10 submissions from 10 submitters: Pathogenic (4); Likely pathogenic (3). 3 of the submissions do not count toward it. Last evaluated 2026-09-03.

Conditions:
ASAH1-related disorders. Also called: ASAH1-related condition; ASAH1-related disorder. Identifiers: MedGen CN376120, MONDO:0800460.
Farber lipogranulomatosis (FRBRL). Also called: Farber's lipogranulomatosis; Farber disease; Farber's disease; AC DEFICIENCY; ACID CERAMIDASE DEFICIENCY; CERAMIDASE DEFICIENCY. Identifiers: Orphanet 333, MedGen C0268255, MONDO:0009218, OMIM 228000.
Abnormality of metabolism/homeostasis. Identifiers: MedGen C4021768, HP:0001939.
Fetal anomalies with a likely genetic cause.

Allele frequency attached by ClinVar (database versions not stated): ExAC 0.00006; gnomAD exomes 0.00006; 1000 Genomes Project 30x 0.00016; 1000 Genomes Project 0.00020.
gnomAD v4.1: 33 of 1,614,174 alleles (0.002%); highest among the groups gnomAD compares: South Asian, 0.034%; no homozygotes.

Submissions (10):

Genetics Laboratory, Great Ormond Street Hospital NHS Foundation Trust, North Thames Genomic Laboratory Hub
Classification: Likely pathogenic for Fetal anomalies with a likely genetic cause. Last evaluated: 2026-09-03. Review status: criteria provided, single submitter. Criteria: ACGS Best Practice Guidelines for Variant Classification in Rare Disease 2024 v1.2. Collection method: clinical testing. Allele origin: germline. Affected: yes.
Comment: PM2_moderate, PP3_supporting, PM5_moderate, PM3_moderate

Labcorp Genetics (formerly Invitae), Labcorp
Classification: Pathogenic. Last evaluated: 2025-07-20. Review status: criteria provided, single submitter. Criteria: Invitae Variant Classification Sherloc (09022015). Collection method: clinical testing. Allele origin: germline.
Comment: This sequence change replaces arginine, which is basic and polar, with glycine, which is neutral and non-polar, at codon 333 of the ASAH1 protein (p.Arg333Gly). This variant is present in population databases (rs543697946, gnomAD 0.04%). This missense change has been observed in individual(s) with ASAH1-related conditions (PMID: 24355074, 28733637, 38079070). In at least one individual the data is consistent with being in trans (on the opposite chromosome) from a pathogenic variant. This variant is also known as p.Arg349Gly. ClinVar contains an entry for this variant (Variation ID: 585439). Invitae Evidence Modeling of protein sequence and biophysical properties (such as structural, functional, and spatial information, amino acid conservation, physicochemical variation, residue mobility, and thermodynamic stability) indicates that this missense variant is expected to disrupt ASAH1 protein function with a positive predictive value of 80%. This variant disrupts the p.Arg333 amino acid residue in ASAH1. Other variant(s) that disrupt this residue have been determined to be pathogenic (PMID: 27411168, 28733637). This suggests that this residue is clinically significant, and that variants that disrupt this residue are likely to be disease-causing. For these reasons, this variant has been classified as Pathogenic.

Genomic Medicine Center of Excellence, King Faisal Specialist Hospital and Research Centre
Classification: Likely pathogenic for Farber lipogranulomatosis. Last evaluated: 2024-03-14. Review status: criteria provided, single submitter. Criteria: ACMG Guidelines, 2015. Collection method: clinical testing. Allele origin: germline.

Blueprint Genetics
Classification: Pathogenic for ASAH1-related disorders. Last evaluated: 2021-09-29. Review status: criteria provided, single submitter. Criteria: ACMG Guidelines, 2015. Collection method: clinical testing. Allele origin: germline. Affected: yes. Observed: 1 variant allele.

Kariminejad - Najmabadi Pathology & Genetics Center
Classification: Likely pathogenic for Abnormality of metabolism/homeostasis. Last evaluated: 2021-07-10. Review status: criteria provided, single submitter. Criteria: ACMG Guidelines, 2015. Collection method: clinical testing. Allele origin: germline. Affected: yes.

Medical Affairs, Dicerna Pharmaceuticals
Classification: Pathogenic for Farber lipogranulomatosis. Last evaluated: 2019-06-19. Review status: criteria provided, single submitter. Criteria: ACMG Guidelines, 2015. Collection method: literature only. Allele origin: paternal. Inheritance: Autosomal recessive inheritance. Affected: yes. Observed: 4 variant alleles. Clinical features observed: subcutaneous nodules on face, conjunctiva, tongue and limbs, and periarticular area, joint contractures at the knee, fingers, elbow and shoulder, mild hepatomegaly, myopic disc present on fundus examination, corneal opacity.
Comment: Published data sheds additional light on variant c.997C>G suggesting the status be updated from uncertain significance to pathogenic. Four children from 3 unrelated families have been diagnosed with Farber disease associated with variant c.997C>G. Patient 1 discussed in Bashyam et al., 2014, doi: 10.1111/cge.12316, was diagnosed with Farber disease due to symptoms characteristic of Farber disease Type 1 (Gene Reviews). The child has compound heterozygous variants in the ASAH1 gene. Skin biopsy showed diffuse fibroblastic proliferation with diffuse chronic inflammatory cell infiltrates in the dermis with fat and foamy macrophages present in-between the fibroblasts which is characteristic of Farber disease. Protein structural analysis using HANSA was performed for the mutated amino acid sequence. It is predicted this change in sequence results in disruption in the conformation of the catalytic triad. Additionally, 2 siblings from a second unrelated family were were described in Bashyam et al., 2014, with Type 1 Farber disease. These sisters inherited the c.997C>G variant from their parents according to biparental segregation. Lastly, a fourth unrelated Farber disease patient was described in Cozma et al., 2017, DOI:10.1038/s41598-017-06604-2. In this patient, ceramide biomarker C26:0 was measured in samples from 10 Farber patients and 2 SMA-PME patients. It was demonstrated within this group that C26:0 Isoform 1 levels were significanly higher than the control group verifying the presence of Farber disease.

Neuberg Centre For Genomic Medicine, NCGM
Classification: Pathogenic for Farber lipogranulomatosis. Review status: criteria provided, single submitter. Criteria: ACMG Guidelines, 2015. Collection method: clinical testing. Allele origin: germline. Inheritance: Autosomal recessive inheritance. Affected: yes.
Comment: The ASAH1 c.997C>G p.Arg333Gly variant has been reported in heterozygous state in unrelated families affected with Farber lipogranulomatosis (Bashyam et. al., 2014; Yu. et al., 2018). Experimental studies have shown protein structural analysis on mutated amino acid sequence using HANSA and it is predicted that this change in sequence results in disruption in the conformation of the catalytic triad. (Bashyam et. al., 2014). This variant has been reported to the ClinVar database as Pathogenic, Likely Pathogenic and Variant of Uncertain Significance (VUS). It is reported with allele frequency of 0.006% in gnomAD database. The amino acid Arg at position 333 is changed to a Gly changing protein sequence and it might alter its composition and physico-chemical properties. The amino acid change p.Arg333Gly in ASAH1 is predicted as conserved by GERP++ and PhyloP across 100 vertebrates. For these reasons, this variant has been classified as Pathogenic.

Athena Diagnostics
Classification: Uncertain significance. Last evaluated: 2018-04-12. Review status: flagged submission. Criteria: Athena Diagnostics Criteria. Collection method: clinical testing. Allele origin: germline. Not counted in ClinVar's aggregate classification.
ClinVar note: Reason: Older claim that does not account for recent evidence

Clinical Genetics DNA and cytogenetics Diagnostics Lab, Erasmus MC, Erasmus Medical Center
Classification: Uncertain significance. Review status: flagged submission. Collection method: clinical testing. Allele origin: germline. Affected: yes. Study: VKGL Data-share Consensus. Not counted in ClinVar's aggregate classification.
ClinVar note: Reason: Claim with insufficient supporting evidence

Diagnostic Laboratory, Department of Genetics, University Medical Center Groningen
Classification: Uncertain significance. Review status: flagged submission. Collection method: clinical testing. Allele origin: germline. Affected: yes. Study: VKGL Data-share Consensus. Not counted in ClinVar's aggregate classification.
ClinVar note: Reason: Claim with insufficient supporting evidence

Literature cited by the submitters: PubMed 24355074 (cited by Labcorp Genetics (formerly Invitae), Labcorp); PubMed 28733637 (cited by Labcorp Genetics (formerly Invitae), Labcorp); PubMed 38079070 (cited by Labcorp Genetics (formerly Invitae), Labcorp); PubMed 27411168 (cited by Labcorp Genetics (formerly Invitae), Labcorp); DOI 10.1111/cge.12316 (cited by Medical Affairs, Dicerna Pharmaceuticals).

NM_177924.5(ASAH1):c.997C>G (p.Arg333Gly)

Gene: ASAH1 (N-acylsphingosine amidohydrolase 1; minus strand). Cytogenetic location: 8p22.
Variant type: single nucleotide variant.
Coding change: c.997C>G on transcript NM_177924.5 (MANE Select); coding-DNA position 997, C replaced by G.
Protein change: p.Arg333Gly; replaces arginine 333 with glycine.
Molecular consequence: missense variant.
Genome position (GRCh38, 1-based): chr8:18,059,385, G>C on the plus strand (C>G on the coding strand, the complement: ASAH1 is on the minus strand). VCF-style: chr8-18059385-G-C. GRCh37 (hg19) VCF-style: chr8-17916894-G-C.
Other names: c.979C>G, p.Arg327Gly (NM_001127505.3); c.802C>G, p.Arg268Gly (NM_001363743.2); c.1045C>G, p.Arg349Gly (NM_004315.6); short protein forms R349G, R327G, R333G, R268G.
Identifiers: ClinVar variation 585439 (VCV000585439.34), dbSNP rs543697946, ClinGen allele CA4650601.